The following is an entry in ClinVar:

ClinVar aggregate classification (germline): Conflicting classifications of pathogenicity. Review status: criteria provided, conflicting classifications (1 of 4 stars). 3 submissions from 3 submitters: Uncertain significance (2); Likely benign (1). Last evaluated 2024-12-02.

Conditions:
Combined immunodeficiency due to LRBA deficiency. Also called: Common variable immunodeficiency 8, with autoimmunity. Identifiers: Orphanet 445018, MedGen C3553512, MONDO:0013863, OMIM 614700.

Allele frequency attached by ClinVar (database versions not stated): TOPMed below 0.00001; gnomAD 0.00001 and 0.00003; gnomAD exomes 0.00006 and 0.00007; ExAC 0.00012; 1000 Genomes Project 0.00040; 1000 Genomes Project 30x 0.00047.
gnomAD v4.1: 78 of 1,384,588 alleles (0.0056%); highest among the groups gnomAD compares: East Asian, 0.18%; no homozygotes.

Submissions (3):

Labcorp Genetics (formerly Invitae), Labcorp
Classification: Uncertain significance for Combined immunodeficiency due to LRBA deficiency. Last evaluated: 2024-12-02. Review status: criteria provided, single submitter. Criteria: Invitae Variant Classification Sherloc (09022015). Collection method: clinical testing. Allele origin: germline.
Comment: This sequence change falls in intron 38 of the LRBA gene. It does not directly change the encoded amino acid sequence of the LRBA protein. It affects a nucleotide within the consensus splice site. This variant is present in population databases (rs186728165, gnomAD 0.09%). This variant has been observed in individual(s) with clinical features of LRBA-related conditions (PMID: 33225392). ClinVar contains an entry for this variant (Variation ID: 1461075). Variants that disrupt the consensus splice site are a relatively common cause of aberrant splicing (PMID: 17576681, 9536098). Algorithms developed to predict the effect of sequence changes on RNA splicing suggest that this variant is not likely to affect RNA splicing. In summary, the available evidence is currently insufficient to determine the role of this variant in disease. Therefore, it has been classified as a Variant of Uncertain Significance.

Fulgent Genetics
Classification: Uncertain significance for Combined immunodeficiency due to LRBA deficiency. Last evaluated: 2024-01-04. Review status: criteria provided, single submitter. Criteria: ACMG Guidelines, 2015. Collection method: clinical testing. Allele origin: germline.

Blueprint Genetics
Classification: Likely benign. Last evaluated: 2023-02-07. Review status: criteria provided, single submitter. Criteria: ACMG Guidelines, 2015. Collection method: clinical testing. Allele origin: germline.

Literature cited by the submitters: PubMed 33225392 (cited by Labcorp Genetics (formerly Invitae), Labcorp); PubMed 17576681 (cited by Labcorp Genetics (formerly Invitae), Labcorp); PubMed 9536098 (cited by Labcorp Genetics (formerly Invitae), Labcorp).

NM_001364905.1(LRBA):c.6046+1889T>C

Gene: LRBA (LPS responsive beige-like anchor protein; minus strand). Cytogenetic location: 4q31.3.
Variant type: single nucleotide variant.
Coding change: c.6046+1889T>C on transcript NM_001364905.1 (MANE Select); 1889 bases into the intron after coding-DNA position 6046, T replaced by C.
Molecular consequence: intron variant.
Genome position (GRCh38, 1-based): chr4:150,597,118, A>G on the plus strand (T>C on the coding strand, the complement: LRBA is on the minus strand). VCF-style: chr4-150597118-A-G. GRCh37 (hg19) VCF-style: chr4-151518270-A-G.
Other names: c.6046+1889T>C (NM_001367550.1, NM_001199282.3, NM_001440431.1); c.6047-3T>C (NM_006726.5, NM_001440430.1).
Identifiers: ClinVar variation 1461075 (VCV001461075.6), dbSNP rs186728165, ClinGen allele CA3102258.